The following is an entry in ClinVar:

NM_000143.4(FH):c.557del (p.Ser186fs)

Gene: FH (fumarate hydratase; minus strand). Cytogenetic location: 1q43.
Variant type: Deletion.
Coding change: c.557del on transcript NM_000143.4 (MANE Select); coding-DNA position 557, one base deleted (G; older notation c.557delG).
Protein change: p.Ser186fs; shifts the reading frame from serine 186.
Molecular consequence: frameshift variant.
Genome position (GRCh38, 1-based): chr1:241,508,784, C deleted on the plus strand (G on the coding strand, the reverse complement: FH is on the minus strand). VCF-style (leftmost placement, unchanged base first): chr1-241508783-GC-G. GRCh37 (hg19) VCF-style: chr1-241672083-GC-G.
Other names: short protein forms S186fs.
Identifiers: ClinVar variation 941970 (VCV000941970.8), dbSNP rs1659999781, ClinGen allele CA1139656726.
Genomic context (GRCh38, chr1:241,508,783, plus strand): 5'-TACTTCATGAACTTCTATTGCAGCAGCAATGTGCATTGCTGTGGGAAAAGTATCATTTGA[GC>G]TCTGTTGGAAATTTTTCAAAAGAAATATAAAATGTTAAATCAGAGGCAACAAAAACAAAC-3'

ClinVar aggregate classification (germline): Pathogenic (1 of 4 stars; one submission).

Submission:

Labcorp Genetics (formerly Invitae), Labcorp
Classification: Pathogenic. Last evaluated: 2019-10-02. Review status: criteria provided, single submitter. Criteria: Invitae Variant Classification Sherloc (09022015). Collection method: clinical testing. Allele origin: germline.
Comment: This variant is not present in population databases (ExAC no frequency). This variant has not been reported in the literature in individuals with FH-related conditions. Loss-of-function variants in FH are known to be pathogenic (PMID: 11865300, 21398687). For these reasons, this variant has been classified as Pathogenic. This sequence change creates a premature translational stop signal (p.Ser186Thrfs*16) in the FH gene. It is expected to result in an absent or disrupted protein product.

Literature cited by the submitters: PubMed 11865300; PubMed 21398687.